The following is an entry in ClinVar:

NM_001283009.2(RTEL1):c.3675C>T (p.Ile1225=)

Genes: RTEL1 (regulator of telomere elongation helicase 1; plus strand), RTEL1-TNFRSF6B (RTEL1-TNFRSF6B readthrough (NMD candidate); plus strand). Cytogenetic location: 20q13.33.
Variant type: single nucleotide variant.
Coding change: c.3675C>T on transcript NM_001283009.2 (MANE Select); coding-DNA position 3675, C replaced by T.
Protein change: p.Ile1225=; no amino-acid change (isoleucine 1225 retained).
Molecular consequence: synonymous variant. On other transcripts: non-coding transcript variant (1), intron variant (3).
Genome position (GRCh38, 1-based): chr20:63,695,503, C>T. VCF-style: chr20-63695503-C-T. GRCh37 (hg19) VCF-style: chr20-62326856-C-T.
Other names: c.2983+23C>T (NM_001283010.1); c.3724+23C>T (NM_032957.5); c.3652+23C>T (NM_016434.4).
Identifiers: ClinVar variation 2171609 (VCV002171609.28), dbSNP rs750010511, ClinGen allele CA9966152.
Genomic context (GRCh38, chr20:63,695,503, plus strand): 5'-CTCAGGACCTCCCCACGGGCCTGCAGCATCTGAGTGGGGTGAGCCTCATGGGAGAGACAT[C>T]GCTGGGCAGCAGGCCACGGGAGCTCCGGGCGGGCCCCTCTCAGCAGGCTGTGTGTGCCAG-3'
Protein context (NP_001269938.1, residues 1215-1235): SEWGEPHGRD[Ile1225=]AGQQATGAPG

ClinVar aggregate classification (germline): Likely benign. Review status: criteria provided, multiple submitters, no conflicts (2 of 4 stars). 3 submissions from 3 submitters: Likely benign (3). Last evaluated 2025-11-10.

Conditions:
Inborn genetic diseases. Identifiers: MedGen C0950123, MeSH D030342.
Pulmonary fibrosis and/or bone marrow failure, Telomere-related, 3. Also called: PULMONARY FIBROSIS AND/OR BONE MARROW FAILURE SYNDROME, TELOMERE-RELATED, 3. Identifiers: Orphanet 2032, MedGen C4225346, MONDO:0014613, OMIM 616373.
Dyskeratosis congenita, autosomal recessive 5 (DKCB5). Identifiers: MedGen C3554656, MONDO:0014076, OMIM 615190.

Allele frequency attached by ClinVar (database versions not stated): TOPMed below 0.00001; gnomAD 0.00001; ExAC 0.00006.
gnomAD v4.1: 19 of 1,611,024 alleles (0.0012%); highest among the groups gnomAD compares: East Asian, 0.0022%; no homozygotes.

Submissions (3):

Ambry Genetics
Classification: Likely benign for Inborn genetic diseases. Last evaluated: 2025-11-10. Review status: criteria provided, single submitter. Criteria: Ambry Variant Classification Scheme 2023. Collection method: clinical testing. Allele origin: germline.

Labcorp Genetics (formerly Invitae), Labcorp
Classification: Likely benign for Dyskeratosis congenita, autosomal recessive 5; Pulmonary fibrosis and/or bone marrow failure, Telomere-related, 3. Last evaluated: 2024-02-05. Review status: criteria provided, single submitter. Criteria: Invitae Variant Classification Sherloc (09022015). Collection method: clinical testing. Allele origin: germline.

CeGaT Center for Human Genetics Tuebingen
Classification: Likely benign. Last evaluated: 2022-04-01. Review status: criteria provided, single submitter. Criteria: CeGaT Center For Human Genetics Tuebingen Variant Classification Criteria Version 2. Collection method: clinical testing. Allele origin: germline. Affected: yes. Observed: 1 variant allele.
Comment: RTEL1: BP4, BP7